The following is an entry in ClinVar:

NM_020822.3(KCNT1):c.1693C>T (p.Arg565Cys)

Gene: KCNT1 (potassium sodium-activated channel subfamily T member 1; plus strand). Cytogenetic location: 9q34.3.
Variant type: single nucleotide variant.
Coding change: c.1693C>T on transcript NM_020822.3 (MANE Select); coding-DNA position 1693, C replaced by T.
Protein change: p.Arg565Cys; replaces arginine 565 with cysteine.
Molecular consequence: missense variant.
Genome position (GRCh38, 1-based): chr9:135,770,371, C>T. VCF-style: chr9-135770371-C-T. GRCh37 (hg19) VCF-style: chr9-138662217-C-T.
Other names: c.1558C>T, p.Arg520Cys (NM_001272003.2); c.1693C>T (NM_020822.2); short protein forms R565C, R520C.
Identifiers: ClinVar variation 2180120 (VCV002180120.5), dbSNP rs535093138, ClinGen allele CA5327028.
Genomic context (GRCh38, chr9:135,770,371, plus strand): 5'-TCTCCGGAGCAGTGGCAGCGCATGTATGGGCGCTGCTCCGGCAACGAGGTGTACCACATC[C>T]GCATGGGTGACAGCAAGTTCTTCCGCGAGTACGAGGGCAAGAGCTTCACCTACGCGGCCT-3'
Protein context (NP_065873.2, residues 555-575): RCSGNEVYHI[Arg565Cys]MGDSKFFREY

ClinVar aggregate classification (germline): Uncertain significance. Review status: criteria provided, multiple submitters, no conflicts (2 of 4 stars). 2 submissions from 2 submitters: Uncertain significance (2). Last evaluated 2025-11-24.

Conditions:
Inborn genetic diseases. Identifiers: MedGen C0950123, MeSH D030342.
Autosomal dominant nocturnal frontal lobe epilepsy 5. Also called: CILIARY DYSKINESIA, PRIMARY, 28, WITHOUT SITUS INVERSUS; CILIARY DYSKINESIA, PRIMARY, 28, WITH SITUS INVERSUS; Epilepsy, nocturnal frontal lobe, 5; KCNT1-Related Epilepsy. Identifiers: Orphanet 98784, MedGen C3554306, MONDO:0014002, OMIM 615005.
Developmental and epileptic encephalopathy, 14 (DEE14). Also called: Early infantile epileptic encephalopathy 14. Identifiers: Orphanet 293181, MedGen C3554195, MONDO:0013989, OMIM 614959.

Allele frequency attached by ClinVar (database versions not stated): gnomAD 0.00001; gnomAD exomes 0.00001; ExAC 0.00003; 1000 Genomes Project 0.00020; 1000 Genomes Project 30x 0.00031.
gnomAD v4.1: 9 of 1,613,222 alleles (0.00056%); highest among the groups gnomAD compares: Admixed American, 0.0067%; no homozygotes.

Submissions (2):

Ambry Genetics
Classification: Uncertain significance for Inborn genetic diseases. Last evaluated: 2025-11-24. Review status: criteria provided, single submitter. Criteria: Ambry Variant Classification Scheme 2023. Collection method: clinical testing. Allele origin: germline.

Labcorp Genetics (formerly Invitae), Labcorp
Classification: Uncertain significance for Autosomal dominant nocturnal frontal lobe epilepsy 5; Developmental and epileptic encephalopathy, 14. Last evaluated: 2025-02-26. Review status: criteria provided, single submitter. Criteria: Invitae Variant Classification Sherloc (09022015). Collection method: clinical testing. Allele origin: germline.
Comment: This sequence change replaces arginine, which is basic and polar, with cysteine, which is neutral and slightly polar, at codon 565 of the KCNT1 protein (p.Arg565Cys). This variant is present in population databases (rs535093138, gnomAD 0.006%). This variant has not been reported in the literature in individuals affected with KCNT1-related conditions. ClinVar contains an entry for this variant (Variation ID: 2180120). Invitae Evidence Modeling of protein sequence and biophysical properties (such as structural, functional, and spatial information, amino acid conservation, physicochemical variation, residue mobility, and thermodynamic stability) indicates that this missense variant is not expected to disrupt KCNT1 protein function with a negative predictive value of 80%. In summary, the available evidence is currently insufficient to determine the role of this variant in disease. Therefore, it has been classified as a Variant of Uncertain Significance.